The following is an entry in ClinVar:

ClinVar aggregate classification (germline): Likely pathogenic (1 of 4 stars; one submission).

Conditions:
Nemaline myopathy 2 (NEM2). Also called: Nemaline myopathy 2, autosomal recessive. Identifiers: MedGen C1850569, MONDO:0009725, OMIM 256030.

Submission:

Myriad Genetics, Inc.
Classification: Likely pathogenic for Nemaline myopathy 2. Last evaluated: 2022-03-30. Review status: criteria provided, single submitter. Criteria: Myriad Women's Health Autosomal Recessive and X-Linked Classification Criteria (2021). Collection method: clinical testing. Allele origin: unknown.
Comment: NM_001271208.1(NEB):c.7813delG(D2605Tfs*14) is expected to be pathogenic in the context of NEB-related nemaline myopathy. This variant is predicted to lead to an abnormal or absent protein product due to the creation of a premature termination codon in NEB, a gene where loss-of-function variants are known to be pathogenic. Please note: this variant was assessed in the context of healthy population screening.

NM_001164508.2(NEB):c.7813del (p.Asp2605fs)

Gene: NEB (nebulin; minus strand). Cytogenetic location: 2q23.3.
Variant type: Deletion.
Coding change: c.7813del on transcript NM_001164508.2 (MANE Select); coding-DNA position 7813, one base deleted (G; older notation c.7813delG).
Protein change: p.Asp2605fs; shifts the reading frame from aspartic acid 2605.
Molecular consequence: frameshift variant.
Genome position (GRCh38, 1-based): chr2:151,643,961, C deleted on the plus strand (G on the coding strand, the reverse complement: NEB is on the minus strand); the first of 2 consecutive C bases (chr2:151,643,961-151,643,962); deleting either gives the same sequence. VCF-style (leftmost placement, unchanged base first): chr2-151643960-TC-T. GRCh37 (hg19) VCF-style: chr2-152500474-TC-T.
Other names: c.7813del, p.Asp2605fs (NM_001164507.2, NM_001271208.2, NM_004543.5); short protein forms D2605fs.
Identifiers: ClinVar variation 1725631 (VCV001725631.2), dbSNP rs2552247303, ClinGen allele CA2580064042.